The following is an entry in ClinVar:

ClinVar aggregate classification (germline): Uncertain significance (1 of 4 stars; one submission).

Conditions:
Long QT syndrome (LQTS). Identifiers: MedGen C0023976, MeSH D008133, MONDO:0002442. Disease mechanism: loss of function. Inheritance: Various modes of inheritance.

Submission:

Labcorp Genetics (formerly Invitae), Labcorp
Classification: Uncertain significance for Long QT syndrome. Last evaluated: 2022-10-25. Review status: criteria provided, single submitter. Criteria: Invitae Variant Classification Sherloc (09022015). Collection method: clinical testing. Allele origin: germline.
Comment: This sequence change falls in intron 11 of the KCNH2 gene. It does not directly change the encoded amino acid sequence of the KCNH2 protein. This variant is not present in population databases (gnomAD no frequency). This variant has not been reported in the literature in individuals affected with KCNH2-related conditions. Algorithms developed to predict the effect of sequence changes on RNA splicing suggest that this variant may create or strengthen a splice site. In summary, the available evidence is currently insufficient to determine the role of this variant in disease. Therefore, it has been classified as a Variant of Uncertain Significance.

NM_000238.4(KCNH2):c.2692+17_2692+31del

Gene: KCNH2 (potassium voltage-gated channel subfamily H member 2; minus strand). Cytogenetic location: 7q36.1.
Variant type: Deletion.
Coding change: c.2692+17_2692+31del on transcript NM_000238.4 (MANE Select); bases 17 to 31 of the intron after coding-DNA position 2692, 15 bases deleted (GAGGAAGGGGGAGGG).
Molecular consequence: intron variant.
Genome position (GRCh38, 1-based): chr7:150,948,413-150,948,427, CCCTCCCCCTTCCTC deleted on the plus strand (GAGGAAGGGGGAGGG on the coding strand, the reverse complement: KCNH2 is on the minus strand); deleting any 15 consecutive bases within chr7:150,948,413-150,948,436 gives the same sequence; the c. name uses the placement nearest the transcript's 3' end. VCF-style (leftmost placement, unchanged base first): chr7-150948412-GCCCTCCCCCTTCCTC-G. GRCh37 (hg19) VCF-style: chr7-150645500-GCCCTCCCCCTTCCTC-G.
Other names: c.2404+17_2404+31del (NM_001406753.1); c.1672+17_1672+31del (NM_172057.3).
Identifiers: ClinVar variation 3005198 (VCV003005198.3), dbSNP rs2486011160, ClinGen allele CA2685602513.
Genomic context (GRCh38, chr7:150,948,412, plus strand): 5'-GCCTGGGTAAAGCAGACACGGCCCACCCCGCCTTCCAGCTCCCAGCCTCACCTTGTCCCC[GCCCTCCCCCTTCCTC>G]CCCTCCCCCGCCTCACCCTTGTCCGTGCGCCTGCGGAAGGACAACTTGCGCTTGCGTTGC-3'